The following is an entry in ClinVar:

NC_000009.11:g.(?_139258754)_(139325589_?)dup

Genes: CARD9 (caspase recruitment domain family member 9; minus strand), ENTR1 (endosome associated trafficking regulator 1; minus strand), PMPCA (peptidase, mitochondrial processing subunit alpha; plus strand), INPP5E (inositol polyphosphate-5-phosphatase E; minus strand), SNAPC4 (small nuclear RNA activating complex polypeptide 4; minus strand). Cytogenetic location: 9q34.3.
Variant type: Duplication.
Identifiers: ClinVar variation 2427140 (VCV002427140.5).

ClinVar aggregate classification (germline): Uncertain significance (1 of 4 stars; one submission).

Conditions:
Predisposition to invasive fungal disease due to CARD9 deficiency (IMD103). Also called: Candidiasis, familial, 2, autosomal recessive; IMMUNODEFICIENCY 103, SUSCEPTIBILITY TO FUNGAL INFECTIONS; CARD9 IMMUNODEFICIENCY. Identifiers: Orphanet 457088, MedGen C1859353, MONDO:0008905, OMIM 212050.

Submission:

Labcorp Genetics (formerly Invitae), Labcorp
Classification: Uncertain significance for Predisposition to invasive fungal disease due to CARD9 deficiency. Last evaluated: 2022-05-12. Review status: criteria provided, single submitter. Criteria: Invitae Variant Classification Sherloc (09022015). Collection method: clinical testing. Allele origin: germline.
Comment: A copy number gain of the genomic region encompassing the full coding sequence of the CARD9 gene has been identified. The boundaries of this event are unknown as they extend beyond the assayed region for this gene and therefore may encompass additional genes. As the precise location of this event is unknown, it may be in tandem or it may be located elsewhere in the genome. This variant has not been reported in the literature in individuals affected with CARD9-related conditions. In summary, the available evidence is currently insufficient to determine the role of this variant in disease. Therefore, it has been classified as a Variant of Uncertain Significance.